The following is an entry in ClinVar:

ClinVar aggregate classification (germline): Uncertain significance (0 of 4 stars; one submission).

Conditions:
ARID1B-Related Disorder. Identifiers: MedGen CN381337.

Submission:

PreventionGenetics, part of Exact Sciences
Classification: Uncertain significance for ARID1B-related condition. Last evaluated: 2024-02-15. Review status: no assertion criteria provided. Collection method: clinical testing. Allele origin: germline.
Comment: The ARID1B c.20C>G variant is predicted to result in the amino acid substitution p.Ala7Gly. To our knowledge, this variant has not been reported in the literature or in a large population database, indicating this variant is rare. This variant is interpreted as not determined.

NM_001374828.1(ARID1B):c.269C>G (p.Ala90Gly)

Genes: ARID1B (AT-rich interaction domain 1B; plus strand), LOC115308161 (uncharacterized LOC115308161; minus strand), LOC129997523 (ATAC-STARR-seq lymphoblastoid silent region 17710; plus strand). Cytogenetic location: 6q25.3.
Variant type: single nucleotide variant.
Coding change: c.269C>G on transcript NM_001374828.1 (MANE Select); coding-DNA position 269, C replaced by G.
Protein change: p.Ala90Gly; replaces alanine 90 with glycine.
Molecular consequence: missense variant.
Genome position (GRCh38, 1-based): chr6:156,777,949, C>G. VCF-style: chr6-156777949-C-G. GRCh37 (hg19) VCF-style: chr6-157099083-C-G.
Other names: c.20C>G, p.Ala7Gly (NM_001346813.1, NM_020732.3); c.269C>G, p.Ala90Gly (NM_001371656.1, NM_001374820.1, NM_017519.3); short protein forms A7G, A90G.
Identifiers: ClinVar variation 3036532 (VCV003036532.2), dbSNP rs753014356, ClinGen allele CA366380908.
Genomic context (GRCh38, chr6:156,777,949, plus strand): 5'-GTGTGCACCACCACCCCCTGCTCCCCCGTCACGAACTCAACATGGCCCATAACGCGGGCG[C>G]CGCGGCCGCCGCCGGCACCCACAGCGCCAAGAGCGGCGGCTCCGAGGCGGCTCTCAAGGA-3'
Protein context (NP_001361757.1, residues 80-100): HELNMAHNAG[Ala90Gly]AAAAGTHSAK